The following is an entry in ClinVar:

ClinVar aggregate classification (germline): Benign. Review status: criteria provided, multiple submitters, no conflicts (2 of 4 stars). 2 submissions from 2 submitters: Benign (2). Last evaluated 2018-06-14.

Allele frequency attached by ClinVar (database versions not stated): gnomAD exomes 0.08794; TOPMed 0.10000; 1000 Genomes Project 30x 0.10962; 1000 Genomes Project 0.11661.
gnomAD v4.1: 15,181 of 141,230 alleles (11%); highest among the groups gnomAD compares: East Asian, 22%; 932 homozygotes.

Submissions (2):

GeneDx
Classification: Benign. Last evaluated: 2018-06-14. Review status: criteria provided, single submitter. Criteria: GeneDx Variant Classification (06012015). Collection method: clinical testing. Allele origin: germline. Affected: yes.
Comment: This variant is considered likely benign or benign based on one or more of the following criteria: it is a conservative change, it occurs at a poorly conserved position in the protein, it is predicted to be benign by multiple in silico algorithms, and/or has population frequency not consistent with disease.

Breakthrough Genomics
Classification: Benign. Review status: criteria provided, single submitter. Criteria: ACMG Guidelines, 2015. Collection method: not provided. Allele origin: germline. Inheritance: Autosomal recessive inheritance. Affected: yes.

NM_001244008.2(KIF1A):c.3902-344C>A

Gene: KIF1A (kinesin family member 1A; minus strand). Cytogenetic location: 2q37.3.
Variant type: single nucleotide variant.
Coding change: c.3902-344C>A on transcript NM_001244008.2 (MANE Select); 344 bases into the intron before coding-DNA position 3902, C replaced by A.
Molecular consequence: intron variant.
Genome position (GRCh38, 1-based): chr2:240,737,512, G>T on the plus strand (C>A on the coding strand, the complement: KIF1A is on the minus strand). VCF-style: chr2-240737512-G-T. GRCh37 (hg19) VCF-style: chr2-241676929-G-T.
Other names: c.3599-344C>A (NM_001379653.1, NM_001379650.1, NM_001379641.1 and 4 more transcripts); c.3875-344C>A (NM_001379645.1, NM_001379633.1, NM_001379642.1); c.3701-344C>A (NM_001379635.1, NM_001330290.2, NM_001379646.1 and 1 more transcripts); c.3596-344C>A (NM_001379640.1); c.3713-344C>A (NM_001379636.1); c.3851-344C>A (NM_001379632.1); c.3674-344C>A (NM_001379637.1, NM_001379648.1); c.3626-344C>A (NM_001320705.2, NM_001379638.1, NM_001330289.2); and 1 more.
Identifiers: ClinVar variation 671426 (VCV000671426.2), dbSNP rs55923453, ClinGen allele CA11176579.
Genomic context (GRCh38, chr2:240,737,512, plus strand): 5'-CCGGCCTTCCTGACTGCTGGAAAAGGAAGGCTAAGCAAGACACAGAGGAGGAATGTTCCT[G>T]CTTCTTCTTACACCAAAAAGTCATGATAATAACAAGGAAAGGGAGGGAGGGAGGGAGGGA-3'